The following is an entry in ClinVar:

ClinVar aggregate classification (germline): Uncertain significance (1 of 4 stars; one submission).

gnomAD v4.1: 5 of 1,606,794 alleles (0.00031%); highest among the groups gnomAD compares: Admixed American, 0.0017%; no homozygotes.

Submission:

Mayo Clinic Laboratories, Mayo Clinic
Classification: Uncertain significance. Last evaluated: 2023-10-10. Review status: criteria provided, single submitter. Criteria: ACMG Guidelines, 2015. Collection method: clinical testing. Allele origin: germline. Observed: 1 variant allele.
Comment: PM2_moderate

NM_000293.3(PHKB):c.2922G>A (p.Met974Ile)

Gene: PHKB (phosphorylase kinase regulatory subunit beta; plus strand). Cytogenetic location: 16q12.1.
Variant type: single nucleotide variant.
Coding change: c.2922G>A on transcript NM_000293.3 (MANE Select); coding-DNA position 2922, G replaced by A.
Protein change: p.Met974Ile; replaces methionine 974 with isoleucine.
Molecular consequence: missense variant.
Genome position (GRCh38, 1-based): chr16:47,696,407, G>A. VCF-style: chr16-47696407-G-A. GRCh37 (hg19) VCF-style: chr16-47730318-G-A.
Other names: p.Met974Ile; c.2901G>A, p.Met967Ile (NM_001031835.3); c.2922G>A, p.Met974Ile (NM_001363837.1); short protein forms M967I, M974I.
Identifiers: ClinVar variation 3380389 (VCV003380389.1).
Genomic context (GRCh38, chr16:47,696,407, plus strand): 5'-GTTCAGCATGTTAATGTGGAGTTATTTTTTTCAGCAACCAACCCTGTCAGATATGACCAT[G>A]TATGAGATGAATTTCTCTCTCCTTGTTGAAGACACGTTGGGAAATATTGACCAGCCACAG-3'
Protein context (NP_000284.1, residues 964-984): PQQPTLSDMT[Met974Ile]YEMNFSLLVE